The following is an entry in ClinVar:

NC_000014.8:g.(100387215_100402365)_(100408398_?)dup

Gene: EML1 (EMAP like 1; plus strand). Cytogenetic location: 14q32.2.
Variant type: Duplication.
Identifiers: ClinVar variation 3907409 (VCV003907409.1).

ClinVar aggregate classification (germline): Uncertain significance (1 of 4 stars; one submission).

Submission:

Women's Health and Genetics/Laboratory Corporation of America, LabCorp
Classification: Uncertain significance. Last evaluated: 2025-06-04. Review status: criteria provided, single submitter. Criteria: LabCorp Variant Classification Summary - May 2015. Collection method: clinical testing. Allele origin: germline.
Comment: Variant summary: The variant involves the duplication of exons 18-22 in the EML1 gene. A presumed nomenclature of c.(1909+1_1910-1)_(*1949_?)dup has been designated for the purposes of this classification. The exact breakpoint at the 3' end of this variant is unknown, therefore this duplication may extend downstream of the annotated region of the gene. As it duplicates the termination codon, its effect on the encoded protein is unknown. A similar duplication involving exons 18-22 was found at a frequency of 0.00046 in 21568 control chromosomes (gnomAD, structural variants dataset). This frequency is not significantly higher than estimated for a pathogenic variant in EML1 causing Band Heterotopia Of Brain, allowing no conclusion about variant significance. To our knowledge, no occurrence of c.(1909+1_1910-1)_(*1949_?)dup in individuals affected with Band Heterotopia Of Brain and no experimental evidence demonstrating its impact on protein function have been reported. No submitters have cited clinical-significance assessments for this variant to ClinVar. Based on the evidence outlined above, the variant was classified as uncertain significance.